The following is an entry in ClinVar:

ClinVar aggregate classification (germline): Uncertain significance (1 of 4 stars; one submission).

Conditions:
Gastrointestinal stromal tumor. Also called: Gastrointestinal stroma tumor; Gastrointestinal stromal tumor, somatic. Identifiers: Orphanet 44890, MedGen C0238198, MeSH D046152, MONDO:0011719, OMIM 606764, HP:0100723.

Submission:

Labcorp Genetics (formerly Invitae), Labcorp
Classification: Uncertain significance for Gastrointestinal stromal tumor. Last evaluated: 2020-10-30. Review status: criteria provided, single submitter. Criteria: Invitae Variant Classification Sherloc (09022015). Collection method: clinical testing. Allele origin: germline.
Comment: This variant has not been reported in the literature in individuals with PDGFRA-related conditions. Algorithms developed to predict the effect of missense changes on protein structure and function (SIFT, PolyPhen-2, Align-GVGD) all suggest that this variant is likely to be tolerated, but these predictions have not been confirmed by published functional studies and their clinical significance is uncertain. In summary, the available evidence is currently insufficient to determine the role of this variant in disease. Therefore, it has been classified as a Variant of Uncertain Significance. This variant is not present in population databases (ExAC no frequency). This sequence change replaces threonine with serine at codon 483 of the PDGFRA protein (p.Thr483Ser). The threonine residue is moderately conserved and there is a small physicochemical difference between threonine and serine.

NM_006206.6(PDGFRA):c.1447A>T (p.Thr483Ser)

Gene: PDGFRA (platelet derived growth factor receptor alpha; plus strand). Cytogenetic location: 4q12.
Variant type: single nucleotide variant.
Coding change: c.1447A>T on transcript NM_006206.6 (MANE Select); coding-DNA position 1447, A replaced by T.
Protein change: p.Thr483Ser; replaces threonine 483 with serine.
Molecular consequence: missense variant.
Genome position (GRCh38, 1-based): chr4:54,273,619, A>T. VCF-style: chr4-54273619-A-T. GRCh37 (hg19) VCF-style: chr4-55139786-A-T.
Other names: c.1447A>T, p.Thr483Ser (NM_001347827.2, NM_001347829.2); c.1522A>T, p.Thr508Ser (NM_001347828.2); c.1486A>T, p.Thr496Ser (NM_001347830.2); short protein forms T483S, T496S, T508S.
Identifiers: ClinVar variation 1469956 (VCV001469956.8), dbSNP rs2110292155, ClinGen allele CA356892588.